The following is an entry in ClinVar:

NM_000551.4(VHL):c.470C>T (p.Thr157Ile)

Genes: VHL (von Hippel-Lindau tumor suppressor; plus strand), LOC107303340 (3p25 von Hippel-Lindau tumor suppressor, E3 ubiquitin protein ligase Alu-mediated recombination region; plus strand). Cytogenetic location: 3p25.3.
Variant type: single nucleotide variant.
Coding change: c.470C>T on transcript NM_000551.4 (MANE Select); coding-DNA position 470, C replaced by T.
Protein change: p.Thr157Ile; replaces threonine 157 with isoleucine.
Molecular consequence: missense variant. On other transcripts: 3 prime UTR variant (1).
Genome position (GRCh38, 1-based): chr3:10,149,793, C>T. VCF-style: chr3-10149793-C-T. GRCh37 (hg19) VCF-style: chr3-10191477-C-T.
Other names: c.*24C>T (NM_001354723.2); c.347C>T, p.Thr116Ile (NM_198156.3); short protein forms T157I, T116I.
Identifiers: ClinVar variation 223223 (VCV000223223.4), dbSNP rs869025660, ClinGen allele CA357133.
Genomic context (GRCh38, chr3:10,149,793, plus strand): 5'-TCCTTGTACTGAGACCCTAGTCTGCCACTGAGGATTTGGTTTTTGCCCTTCCAGTGTATA[C>T]TCTGAAAGAGCGATGCCTCCAGGTTGTCCGGAGCCTAGTCAAGCCTGAGAATTACAGGAG-3'
Protein context (NP_000542.1, residues 147-167): IFANITLPVY[Thr157Ile]LKERCLQVVR

ClinVar aggregate classification (germline): Pathogenic. Review status: criteria provided, multiple submitters, no conflicts (2 of 4 stars). 3 submissions from 3 submitters: Pathogenic (2). 1 of the submissions does not count toward it. Last evaluated 2024-04-25.
ClinVar aggregate classification (somatic clinical impact): Tier I - Strong (1 of 4 stars; one submission).

Conditions:
Hereditary cancer-predisposing syndrome. Also called: Tumor predisposition; Hereditary neoplastic syndrome; Neoplastic Syndromes, Hereditary; Hereditary Cancer Syndrome. Identifiers: Orphanet 140162, MedGen C0027672, MeSH D009386, MONDO:0015356.
Von Hippel-Lindau syndrome (VHLS). Also called: Von Hippel-Lindau; von Hippel–Lindau syndrome; VHL syndrome. Identifiers: Orphanet 892, MedGen C0019562, MONDO:0008667, OMIM 193300. Disease mechanism: loss of function.
Pheochromocytoma. Also called: MAX-Related Hereditary Paraganglioma-Pheochromocytoma Syndrome. Identifiers: Orphanet 29072, MedGen C0031511, MONDO:0008233, OMIM 171300, HP:0002666.

Submissions (4):

Institute for Genomic Medicine (IGM) Clinical Laboratory, Nationwide Children's Hospital
Classification: Tier I - Strong for Pheochromocytoma. Assertion type: diagnostic. Clinical significance: supports diagnosis. Last evaluated: 2025-05-21. Review status: criteria provided, single submitter. Criteria: AMP/ASCO/CAP Guidelines, 2017. Collection method: clinical testing. Allele origin: somatic. Affected: yes.
Comment: Variant has Tier I (strong) clinical significance as a diagnostic inclusion criterion in pheochromocytoma, based on the following evidence: 1) Documented in one or more cancer databases (e.g., St. Jude Pecan, COSMIC, CIViC, OncoKB). 2) Appears in one or more well-established professional guidelines (e.g., World Health Organization [WHO]; National Comprehensive Cancer Network [NCCN]) as providing diagnostic, prognostic, or therapeutic information. 3) Diagnostic for a specific tumor type/classification based on well-powered studies with expert-level consensus (Evidence Level B; PMIDs: 21784903, 25545346, 28162975, 29413423, 33362715, 36854674).

Ambry Genetics
Classification: Pathogenic for Hereditary cancer-predisposing syndrome. Last evaluated: 2024-04-25. Review status: criteria provided, single submitter. Criteria: Ambry Variant Classification Scheme 2023. Collection method: clinical testing. Allele origin: germline.
Comment: The p.T157I pathogenic mutation (also known as c.470C>T), located in coding exon 3 of the VHL gene, results from a C to T substitution at nucleotide position 470. The threonine at codon 157 is replaced by isoleucine, an amino acid with similar properties. This variant, also designated p.T228I (c.683C>T) in the literature, was reported in multiple individuals with features consistent with Von Hippel-Lindau disease (Chen F et al. Hum Mutat. 1995;5:66-75; Kondo et al. Hum Mol Genet. 1995 Dec;4:2233-7; Piermarocchi S et al. Graefes Arch Clin Exp Ophthalmol. 2000 Jul;238:615-20; Corcos O et al. Pancreas. 2008 Jul;37:85-93; Boedeker CC et al. J Clin Endocrinol Metab. 2009 Jun;94:1938-44; Meyer-Rochow GY et al. J Surg Res. 2009 Nov;157:55-62; Bausch B et al. Head Neck. 2016 Apr;38 Suppl 1:E673-9; Choi H et al. Endocrinol Metab (Seoul). 2020 Dec;35:858-872; Ambry internal data). This amino acid position is well conserved in available vertebrate species. In addition, this alteration is predicted to be deleterious by in silico analysis. This variant is considered to be rare based on population cohorts in the Genome Aggregation Database (gnomAD). Based on the supporting evidence, this variant is interpreted as a disease-causing mutation.

Athena Diagnostics
Classification: Pathogenic. Last evaluated: 2019-11-29. Review status: criteria provided, single submitter. Criteria: Athena Diagnostics Criteria. Collection method: clinical testing. Allele origin: unknown.
Comment: Not found in the total gnomAD dataset, and the data is high quality. Found in multiple individuals with expected phenotype for this gene. Predicted to have a damaging effect on the protein. Assessment of experimental evidence suggests this variant results in abnormal protein function.

Genomic Diagnostic Laboratory, Division of Genomic Diagnostics, Children's Hospital of Philadelphia
Classification: Pathogenic for Von Hippel-Lindau syndrome. Last evaluated: 2016-02-26. Review status: no assertion criteria provided. Collection method: clinical testing. Allele origin: germline. Affected: yes. Observed: 3 variant alleles. Not counted in ClinVar's aggregate classification.

Literature cited by the submitters: PubMed 21784903 (cited by Institute for Genomic Medicine (IGM) Clinical Laboratory, Nationwide Children's Hospital); PubMed 25545346 (cited by Institute for Genomic Medicine (IGM) Clinical Laboratory, Nationwide Children's Hospital); PubMed 28162975 (cited by Institute for Genomic Medicine (IGM) Clinical Laboratory, Nationwide Children's Hospital); PubMed 29413423 (cited by Institute for Genomic Medicine (IGM) Clinical Laboratory, Nationwide Children's Hospital); PubMed 33362715 (cited by Institute for Genomic Medicine (IGM) Clinical Laboratory, Nationwide Children's Hospital); PubMed 36854674 (cited by Institute for Genomic Medicine (IGM) Clinical Laboratory, Nationwide Children's Hospital); PubMed 10955664 (cited by Ambry Genetics and Athena Diagnostics); PubMed 18580449 (cited by Ambry Genetics and Athena Diagnostics); PubMed 19215943 (cited by Ambry Genetics and Athena Diagnostics); PubMed 19336503 (cited by Ambry Genetics and Athena Diagnostics); PubMed 25867206 (cited by Ambry Genetics); PubMed 33397040 (cited by Ambry Genetics); PubMed 7728151 (cited by Ambry Genetics and Athena Diagnostics); PubMed 8634692 (cited by Ambry Genetics and Athena Diagnostics); PubMed 27527340 (cited by Athena Diagnostics); PubMed 10340905 (cited by Athena Diagnostics); PubMed 10587522 (cited by Athena Diagnostics); PubMed 10761708 (cited by Athena Diagnostics); PubMed 15300849 (cited by Athena Diagnostics); PubMed 19734639 (cited by Athena Diagnostics); PubMed 9829912 (cited by Athena Diagnostics).